The following is an entry in ClinVar:

NM_015122.3(FCHO1):c.443A>G (p.Gln148Arg)

Gene: FCHO1 (FCH and mu domain containing endocytic adaptor 1; plus strand). Cytogenetic location: 19p13.11.
Variant type: single nucleotide variant.
Coding change: c.443A>G on transcript NM_015122.3 (MANE Select); coding-DNA position 443, A replaced by G.
Protein change: p.Gln148Arg; replaces glutamine 148 with arginine.
Molecular consequence: missense variant. On other transcripts: non-coding transcript variant (36).
Genome position (GRCh38, 1-based): chr19:17,770,531, A>G. VCF-style: chr19-17770531-A-G. GRCh37 (hg19) VCF-style: chr19-17881340-A-G.
Other names: c.443A>G, p.Gln148Arg (NM_001161357.2, NM_001161358.2, NM_001384370.1 and 26 more transcripts); c.293A>G, p.Gln98Arg (NM_001161359.2, NM_001384384.1, NM_001384385.1 and 3 more transcripts); c.404A>G, p.Gln135Arg (NM_001384388.1, NM_001384389.1, NM_001384405.1); c.368A>G, p.Gln123Arg (NM_001384390.1); short protein forms Q148R, Q98R, Q123R, Q135R.
Identifiers: ClinVar variation 1450026 (VCV001450026.5), dbSNP rs758447573, ClinGen allele CA9300091.

ClinVar aggregate classification (germline): Uncertain significance (1 of 4 stars; one submission).

Allele frequency attached by ClinVar (database versions not stated): gnomAD exomes below 0.00001; ExAC 0.00001; gnomAD 0.00003 and 0.00004; TOPMed 0.00004.

Submission:

Labcorp Genetics (formerly Invitae), Labcorp
Classification: Uncertain significance. Last evaluated: 2024-01-02. Review status: criteria provided, single submitter. Criteria: Invitae Variant Classification Sherloc (09022015). Collection method: clinical testing. Allele origin: germline.
Comment: This sequence change replaces glutamine, which is neutral and polar, with arginine, which is basic and polar, at codon 148 of the FCHO1 protein (p.Gln148Arg). This variant is present in population databases (rs758447573, gnomAD 0.007%). This variant has not been reported in the literature in individuals affected with FCHO1-related conditions. ClinVar contains an entry for this variant (Variation ID: 1450026). An algorithm developed to predict the effect of missense changes on protein structure and function (PolyPhen-2) suggests that this variant¬†is likely to be tolerated. In summary, the available evidence is currently insufficient to determine the role of this variant in disease. Therefore, it has been classified as a Variant of Uncertain Significance.